The following is an entry in ClinVar:

ClinVar aggregate classification (germline): Pathogenic (1 of 4 stars; one submission).

Conditions:
Wilson disease (WND). Also called: Wilson's disease. Identifiers: Orphanet 905, MedGen C0019202, MONDO:0010200, OMIM 277900. Disease mechanism: loss of function.

Submission:

Labcorp Genetics (formerly Invitae), Labcorp
Classification: Pathogenic for Wilson disease. Last evaluated: 2025-10-19. Review status: criteria provided, single submitter. Criteria: Invitae Variant Classification Sherloc (09022015). Collection method: clinical testing. Allele origin: germline.
Comment: This sequence change creates a premature translational stop signal (p.Ser1246*) in the ATP7B gene. It is expected to result in an absent or disrupted protein product. Loss-of-function variants in ATP7B are known to be pathogenic (PMID: 10441329, 16283883). This variant is not present in population databases (gnomAD no frequency). This variant has not been reported in the literature in individuals affected with ATP7B-related conditions. For these reasons, this variant has been classified as Pathogenic.

Literature cited by the submitters: PubMed 10441329; PubMed 16283883.

NM_000053.4(ATP7B):c.3737C>A (p.Ser1246Ter)

Gene: ATP7B (ATPase copper transporting beta; minus strand). Cytogenetic location: 13q14.3.
Variant type: single nucleotide variant.
Coding change: c.3737C>A on transcript NM_000053.4 (MANE Select); coding-DNA position 3737, C replaced by A.
Protein change: p.Ser1246Ter; replaces serine 1246 with a stop codon.
Molecular consequence: nonsense. On other transcripts: intron variant (1).
Genome position (GRCh38, 1-based): chr13:51,937,642, G>T on the plus strand (C>A on the coding strand, the complement: ATP7B is on the minus strand). VCF-style: chr13-51937642-G-T. GRCh37 (hg19) VCF-style: chr13-52511778-G-T.
Other names: c.3116C>A, p.Ser1039Ter (NM_001005918.3); c.3404C>A, p.Ser1135Ter (NM_001243182.2); c.3503C>A, p.Ser1168Ter (NM_001330578.2, NM_001406527.1, NM_001406528.1); c.3485C>A, p.Ser1162Ter (NM_001330579.2, NM_001406531.1, NM_001406532.1); c.3737C>A, p.Ser1246Ter (NM_001406511.1, NM_001406512.1); c.3731C>A, p.Ser1244Ter (NM_001406513.1); c.3704C>A, p.Ser1235Ter (NM_001406514.1); c.3683C>A, p.Ser1228Ter (NM_001406515.1, NM_001406516.1); and 21 more; short protein forms S1052*, S1103*, S1135*, S1162*, S816*, S1082*, S1097*, S1120*.
Identifiers: ClinVar variation 4729066 (VCV004729066.1).
Genomic context (GRCh38, chr13:51,937,642, plus strand): 5'-CCCACCATGGCGACTTTCTTCCCTTTATTCTGGAGCTCCTGGACCTTGGCCACCTTGTGC[G>T]AAGGCAGCACCTCTGCAAAGACTTTGTTGATGCCAACCTAAGACAAAAGGAAGGCAATGC-3'